The following is an entry in ClinVar:

NM_001042492.3(NF1):c.7731T>A (p.Tyr2577Ter)

Gene: NF1 (neurofibromin 1; plus strand). Cytogenetic location: 17q11.2.
Variant type: single nucleotide variant.
Coding change: c.7731T>A on transcript NM_001042492.3 (MANE Select); coding-DNA position 7731, T replaced by A.
Protein change: p.Tyr2577Ter; replaces tyrosine 2577 with a stop codon.
Molecular consequence: nonsense.
Genome position (GRCh38, 1-based): chr17:31,356,575, T>A. VCF-style: chr17-31356575-T-A. GRCh37 (hg19) VCF-style: chr17-29683593-T-A.
Other names: c.7668T>A, p.Tyr2556Ter (NM_000267.4); short protein forms Y2556*, Y2577*.
Identifiers: ClinVar variation 4024268 (VCV004024268.1).

ClinVar aggregate classification (germline): Pathogenic (1 of 4 stars; one submission).

Conditions:
Cardiovascular phenotype. Identifiers: MedGen CN230736.
Hereditary cancer-predisposing syndrome. Also called: Tumor predisposition; Hereditary neoplastic syndrome; Neoplastic Syndromes, Hereditary; Hereditary Cancer Syndrome. Identifiers: Orphanet 140162, MedGen C0027672, MeSH D009386, MONDO:0015356.

Submission:

Ambry Genetics
Classification: Pathogenic for Cardiovascular phenotype; Hereditary cancer-predisposing syndrome. Last evaluated: 2025-04-28. Review status: criteria provided, single submitter. Criteria: Ambry Variant Classification Scheme 2023. Collection method: clinical testing. Allele origin: germline.
Comment: The p.Y2556* pathogenic mutation (also known as c.7668T>A), located in coding exon 51 of the NF1 gene, results from a T to A substitution at nucleotide position 7668. This changes the amino acid from a tyrosine to a stop codon within coding exon 51. This variant is considered to be rare based on population cohorts in the Genome Aggregation Database (gnomAD). This alteration is expected to result in loss of function by premature protein truncation or nonsense-mediated mRNA decay. As such, this alteration is interpreted as a disease-causing mutation.